The following is an entry in ClinVar:

NM_001146079.2(CLDN14):c.291C>A (p.Cys97Ter)

Genes: CLDN14 (claudin 14; minus strand), CLDN14-AS1 (CLDN14 antisense RNA 1; plus strand). Cytogenetic location: 21q22.13.
Variant type: single nucleotide variant.
Coding change: c.291C>A on transcript NM_001146079.2 (MANE Select); coding-DNA position 291, C replaced by A.
Protein change: p.Cys97Ter; replaces cysteine 97 with a stop codon.
Molecular consequence: nonsense.
Genome position (GRCh38, 1-based): chr21:36,461,405, G>T on the plus strand (C>A on the coding strand, the complement: CLDN14 is on the minus strand). VCF-style: chr21-36461405-G-T. GRCh37 (hg19) VCF-style: chr21-37833703-G-T.
Other names: c.291C>A, p.Cys97Ter (NM_001146077.2, NM_001146078.3, NM_012130.4 and 1 more transcripts); c.291C>A (NM_144492.2); short protein forms C97*.
Identifiers: ClinVar variation 3338644 (VCV003338644.9), dbSNP rs767108790.

ClinVar aggregate classification (germline): Pathogenic/Likely pathogenic. Review status: criteria provided, multiple submitters, no conflicts (2 of 4 stars). 6 submissions from 6 submitters: Pathogenic (2); Likely pathogenic (4). Last evaluated 2026-04-30.

Conditions:
CLDN14-related disorders.
Hearing loss, autosomal recessive. Also called: Deafness, autosomal recessive; Autosomal recessive nonsyndromic deafness; Rare autosomal recessive non-syndromic sensorineural deafness type DFNB; Nonsyndromic Hearing Loss, Recessive. Identifiers: Orphanet 90635, Orphanet 90636, MedGen C1846647, MONDO:0019588, OMIM 607197.
Autosomal recessive nonsyndromic hearing loss 29. Identifiers: Orphanet 90636, MedGen C3279660, MONDO:0013537, OMIM 614035.

gnomAD v4.1: 51 of 1,613,008 alleles (0.0032%); highest among the groups gnomAD compares: Non-Finnish European, 0.0042%; no homozygotes.

Submissions (6):

Laboratory of Molecular, Cellular and Translation Genetics in Otolaryngology/ Lim32-hcfmusp, University of Sao Paulo School of Medicine Clinics Hospital
Classification: Likely pathogenic for Autosomal recessive nonsyndromic hearing loss 29. Last evaluated: 2026-04-30. Review status: criteria provided, single submitter. Criteria: ACMG Guidelines, 2015. Collection method: research. Allele origin: germline. Affected: yes.
Comment: NM_001146079.2:c.291C>A:p.(Cys97*). This variant has been classified as likely pathogenic. It is rare in population databases (PM2_supporting) and represents a null (loss-of-function) variant in CLDN14, a gene in which loss of function is an established disease mechanism (PVS1_strong). It has been previously reported in trans with other pathogenic CLDN14 variants (PM3_supporting). These findings further support the causative role of this variant in autosomal recessive hearing loss as described in PMID: 42233699.

Dasa
Classification: Likely pathogenic. Last evaluated: 2026-01-06. Review status: criteria provided, single submitter. Criteria: DASA Assertion Criteria. Collection method: clinical testing. Allele origin: germline.
Comment: NM_001146079.2(CLDN14):c.291C>A (p.Cys97*) is a nonsense variant in CLDN14 predicted to introduce a premature termination codon and is predicted to result in an absent or altered protein product. Loss of function is an established disease mechanism for CLDN14-associated disorders. This variant has been recurrently observed in individuals with CLDN14-related disorders (PMID: 39498320; PMID: 27870113). Also, this variant is rare in population databases. Based on the currently available evidence, this variant is classified as likely pathogenic.

Labcorp Genetics (formerly Invitae), Labcorp
Classification: Pathogenic. Last evaluated: 2025-09-05. Review status: criteria provided, single submitter. Criteria: Invitae Variant Classification Sherloc (09022015). Collection method: clinical testing. Allele origin: germline.
Comment: This sequence change creates a premature translational stop signal (p.Cys97*) in the CLDN14 gene. While this is not anticipated to result in nonsense mediated decay, it is expected to disrupt the last 143 amino acid(s) of the CLDN14 protein. This variant is present in population databases (rs767108790, gnomAD 0.004%). This premature translational stop signal has been observed in individual(s) with deafness (PMID: 27870113). ClinVar contains an entry for this variant (Variation ID: 3338644). This variant disrupts a region of the CLDN14 protein in which other variant(s) (p.Gly232Arg) have been determined to be pathogenic (PMID: 22246673, 31541171). This suggests that this is a clinically significant region of the protein, and that variants that disrupt it are likely to be disease-causing. For these reasons, this variant has been classified as Pathogenic.

GeneDx
Classification: Likely pathogenic. Last evaluated: 2025-06-25. Review status: criteria provided, single submitter. Criteria: GeneDx Variant Classification Process June 2021. Collection method: clinical testing. Allele origin: germline. Affected: yes.
Comment: Nonsense variant predicted to result in protein truncation, as the last 143 amino acids are lost, and other loss-of-function variants have been reported downstream in HGMD; Not observed at significant frequency in large population cohorts (gnomAD); This variant is associated with the following publications: (PMID: 27870113)

Laboratory of Human Genetics, Universidade de São Paulo
Classification: Pathogenic for Hearing loss, autosomal recessive. Last evaluated: 2024-05-01. Review status: criteria provided, single submitter. Criteria: ClinGen HL ACMG Specifications v1. Collection method: research. Allele origin: biparental. Affected: yes. Observed: 2 variant alleles.
Comment: The CLDN14:c.291C>A:p.Cys97* is a loss of function variant, which is a known mechanism of disease, predicted to undergo NMD, not located in last exon or last 50bp of preliminary exon, extremely low frequency in gnomAD population databases, it segregates with the hearing loss, present in two affected homozygous siblings born from consanguinous parents. It has already been described in another famíly from Brazil (PMID: 27870113) PVS1, PM2, PM3, PP1,PP5

Blueprint Genetics
Classification: Likely pathogenic for CLDN14-related disorders. Last evaluated: 2021-04-19. Review status: criteria provided, single submitter. Criteria: ACMG Guidelines, 2015. Collection method: clinical testing. Allele origin: germline. Affected: yes. Observed: 1 variant allele.

Literature cited by the submitters: PubMed 42233699 (cited by Laboratory of Molecular, Cellular and Translation Genetics in Otolaryngology/ Lim32-hcfmusp, University of Sao Paulo School of Medicine Clinics Hospital); PubMed 39498320 (cited by Dasa); PubMed 27870113 (cited by Dasa and Labcorp Genetics (formerly Invitae), Labcorp); PubMed 22246673 (cited by Labcorp Genetics (formerly Invitae), Labcorp); PubMed 31541171 (cited by Labcorp Genetics (formerly Invitae), Labcorp).